The following is an entry in ClinVar:

ClinVar aggregate classification (germline): Likely pathogenic (1 of 4 stars; one submission).

Conditions:
Familial thoracic aortic aneurysm and aortic dissection (TAAD). Also called: Thoracic aortic aneurysms and dissections. Identifiers: Orphanet 91387, MedGen C4707243, MONDO:0019625.

Submission:

Ambry Genetics
Classification: Likely pathogenic for Familial thoracic aortic aneurysm and aortic dissection. Last evaluated: 2017-09-12. Review status: criteria provided, single submitter. Criteria: Ambry Variant Classification Scheme 2023. Collection method: clinical testing. Allele origin: germline.
Comment: The c.5165dupC variant, located in coding exon 65 of the COL5A1 gene, results from a duplication of C at nucleotide position 5165, causing a translational frameshift with a predicted alternate stop codon (p.V1723Cfs*55). The stop codon occurs at the 3' terminus of COL5A1 and is not expected to trigger nonsense-mediated mRNA decay. However, this alteration affect the significant portion of the C-terminal domain, which is generally known to be involved in Collagen trimer formation and folding (Chessler SD et al. J. Biol. Chem., 1993 Aug;268:18218-25; Lees JF et al. J. Biol. Chem., 1994 Sep;269:24354-60; McIntosh I et al. Hum. Mutat., 1995;5:121-5). In addition, COL5A1 variants downstream of this alteration have been reported in individuals with classic Ehlers Danlos syndrome, further supporting the importance of the C-terminus impacted by this alteration (Mitchell AL et al. Hum. Mutat., 2009 Jun;30:995-1002; Symoens S et al. Hum. Mutat., 2012 Oct;33:1485-93). Based on the majority of available evidence to date, this variant is likely to be pathogenic.

Literature cited by the submitters: PubMed 19370768; PubMed 22696272; PubMed 7749409; PubMed 7929094; PubMed 8349697.

NM_000093.5(COL5A1):c.5165dup (p.Val1723fs)

Genes: COL5A1 (collagen type V alpha 1 chain; plus strand), LOC101448202 (uncharacterized LOC101448202; minus strand). Cytogenetic location: 9q34.3.
Variant type: Duplication.
Coding change: c.5165dup on transcript NM_000093.5 (MANE Select); coding-DNA position 5165, one base duplicated (C; older notation c.5165dupC).
Protein change: p.Val1723fs; shifts the reading frame from valine 1723.
Molecular consequence: frameshift variant.
Genome position (GRCh38, 1-based): chr9:134,834,999, C duplicated; the last of 3 consecutive C bases (chr9:134,834,997-134,834,999); duplicating any one gives the same sequence. VCF-style (leftmost placement, unchanged base first): chr9-134834996-A-AC. GRCh37 (hg19) VCF-style: chr9-137726842-A-AC.
Other names: c.5165dup, p.Val1723fs (NM_001278074.1); short protein forms V1723fs.
Identifiers: ClinVar variation 519656 (VCV000519656.5), dbSNP rs1554726251, ClinGen allele CA658797359.
Genomic context (GRCh38, chr9:134,834,996, plus strand): 5'-CACCCTGCTGAGCCCCAACACCCCTGTCCCCCCAGCTCTCCTATGTGGACGCCGAGGGCA[A>AC]CCCTGTGGGTGTGGTACAGATGACCTTCCTGCGGCTGCTGAGCGCCTCTGCCCACCAGAA-3'